The following is an entry in ClinVar:

ClinVar aggregate classification (germline): Conflicting classifications of pathogenicity. Review status: criteria provided, conflicting classifications (1 of 4 stars). 2 submissions from 2 submitters: Uncertain significance (1); Likely benign (1). Last evaluated 2023-04-30.

Allele frequency attached by ClinVar (database versions not stated): gnomAD exomes below 0.00001 and 0.00001; TOPMed below 0.00001; gnomAD 0.00001.
gnomAD v4.1: 5 of 1,613,948 alleles (0.00031%); highest among the groups gnomAD compares: Non-Finnish European, 0.00042%; no homozygotes.

Submissions (2):

Labcorp Genetics (formerly Invitae), Labcorp
Classification: Likely benign. Last evaluated: 2023-04-30. Review status: criteria provided, single submitter. Criteria: Invitae Variant Classification Sherloc (09022015). Collection method: clinical testing. Allele origin: germline.

GeneDx
Classification: Uncertain significance. Last evaluated: 2022-01-11. Review status: criteria provided, single submitter. Criteria: GeneDx Variant Classification Process June 2021. Collection method: clinical testing. Allele origin: germline. Affected: yes.
Comment: Has not been previously published as pathogenic or benign to our knowledge; Not observed at significant frequency in large population cohorts (gnomAD); In-silico analysis is inconclusive as to whether the variant alters gene splicing. In the absence of RNA/functional studies, the actual effect of this sequence change is unknown.

NM_001854.4(COL11A1):c.1776A>T (p.Gly592=)

Gene: COL11A1 (collagen type XI alpha 1 chain; minus strand). Cytogenetic location: 1p21.1.
Variant type: single nucleotide variant.
Coding change: c.1776A>T on transcript NM_001854.4 (MANE Select); coding-DNA position 1776, A replaced by T.
Protein change: p.Gly592=; no amino-acid change (glycine 592 retained).
Molecular consequence: synonymous variant. On other transcripts: non-coding transcript variant (1).
Genome position (GRCh38, 1-based): chr1:103,006,083, T>A on the plus strand (A>T on the coding strand, the complement: COL11A1 is on the minus strand). VCF-style: chr1-103006083-T-A. GRCh37 (hg19) VCF-style: chr1-103471639-T-A.
Other names: c.1428A>T, p.Gly476= (NM_001168249.1, NM_080630.4); c.1659A>T, p.Gly553= (NM_001190709.2); c.1812A>T, p.Gly604= (NM_080629.3).
Identifiers: ClinVar variation 1695466 (VCV001695466.5), dbSNP rs1211057639, ClinGen allele CA419207419.